The following is an entry in ClinVar:

NM_013382.7(POMT2):c.248+108C>A

Gene: POMT2 (protein O-mannosyltransferase 2; minus strand). Cytogenetic location: 14q24.3.
Variant type: single nucleotide variant.
Coding change: c.248+108C>A on transcript NM_013382.7 (MANE Select); 108 bases into the intron after coding-DNA position 248, C replaced by A.
Molecular consequence: intron variant.
Genome position (GRCh38, 1-based): chr14:77,320,326, G>T on the plus strand (C>A on the coding strand, the complement: POMT2 is on the minus strand). VCF-style: chr14-77320326-G-T. GRCh37 (hg19) VCF-style: chr14-77786669-G-T.
Other names: NC_000014.8:g.77786669G>T.
Identifiers: ClinVar variation 677469 (VCV000677469.3), dbSNP rs11629257, ClinGen allele CA13943916.

ClinVar aggregate classification (germline): Benign. Review status: criteria provided, multiple submitters, no conflicts (2 of 4 stars). 2 submissions from 2 submitters: Benign (2). Last evaluated 2018-06-14.

Allele frequency attached by ClinVar (database versions not stated): 1000 Genomes Project 0.02256; 1000 Genomes Project 30x 0.02264; TOPMed 0.03892; gnomAD 0.04110.

Submissions (3):

GeneDx
Classification: Benign. Last evaluated: 2018-06-14. Review status: criteria provided, single submitter. Criteria: GeneDx Variant Classification (06012015). Collection method: clinical testing. Allele origin: germline. Affected: yes.
Comment: This variant is considered likely benign or benign based on one or more of the following criteria: it is a conservative change, it occurs at a poorly conserved position in the protein, it is predicted to be benign by multiple in silico algorithms, and/or has population frequency not consistent with disease.

Breakthrough Genomics
Classification: Benign. Review status: criteria provided, single submitter. Criteria: ACMG Guidelines, 2015. Collection method: not provided. Allele origin: germline. Inheritance: Autosomal recessive inheritance. Affected: yes.

Dr. Peter K. Rogan Lab, Western University
No classification provided (evidence only). Condition: Acute myeloid leukemia. Review status: no classification provided. Collection method: in vitro. Allele origin: not applicable. Functional consequence: retained intron. Not counted in ClinVar's aggregate classification.